The following is an entry in ClinVar:

ClinVar aggregate classification (germline): Benign. Review status: criteria provided, multiple submitters, no conflicts (2 of 4 stars). 2 submissions from 2 submitters: Benign (2). Last evaluated 2018-06-14.

Allele frequency attached by ClinVar (database versions not stated): gnomAD 0.17775 and 0.18246; TOPMed 0.19226; 1000 Genomes Project 0.19309; 1000 Genomes Project 30x 0.19925; gnomAD exomes 0.20303.
gnomAD v4.1: 159,902 of 800,990 alleles (20%); highest among the groups gnomAD compares: Admixed American, 42%; 19,042 homozygotes.

Submissions (2):

GeneDx
Classification: Benign. Last evaluated: 2018-06-14. Review status: criteria provided, single submitter. Criteria: GeneDx Variant Classification (06012015). Collection method: clinical testing. Allele origin: germline. Affected: yes.
Comment: This variant is considered likely benign or benign based on one or more of the following criteria: it is a conservative change, it occurs at a poorly conserved position in the protein, it is predicted to be benign by multiple in silico algorithms, and/or has population frequency not consistent with disease.

Breakthrough Genomics
Classification: Benign. Review status: criteria provided, single submitter. Criteria: ACMG Guidelines, 2015. Collection method: not provided. Allele origin: germline. Inheritance: Autosomal recessive inheritance. Affected: yes.

NM_001098.3(ACO2):c.2086+220G>A

Genes: ACO2 (aconitase 2; plus strand), POLR3H (RNA polymerase III subunit H; minus strand). Cytogenetic location: 22q13.2.
Variant type: single nucleotide variant.
Coding change: c.2086+220G>A on transcript NM_001098.3 (MANE Select); 220 bases into the intron after coding-DNA position 2086, G replaced by A.
Molecular consequence: intron variant. On other transcripts: 3 prime UTR variant (5).
Genome position (GRCh38, 1-based): chr22:41,527,640, G>A. VCF-style: chr22-41527640-G-A. GRCh37 (hg19) VCF-style: chr22-41923644-G-A.
Other names: c.*1643C>T (NM_001018050.4, NM_001018052.4, NM_001282884.2 and 2 more transcripts).
Identifiers: ClinVar variation 678098 (VCV000678098.3), dbSNP rs17367849, ClinGen allele CA14997418.